The following is an entry in ClinVar:

NM_001034853.2(RPGR):c.2734G>T (p.Gly912Ter)

Gene: RPGR (retinitis pigmentosa GTPase regulator; minus strand). Cytogenetic location: Xp11.4.
Variant type: single nucleotide variant.
Coding change: c.2734G>T on transcript NM_001034853.2 (MANE Select); coding-DNA position 2734, G replaced by T.
Protein change: p.Gly912Ter; replaces glycine 912 with a stop codon.
Molecular consequence: nonsense. On other transcripts: intron variant (8).
Genome position (GRCh38, 1-based): chrX:38,286,265, C>A on the plus strand (G>T on the coding strand, the complement: RPGR is on the minus strand). VCF-style: chrX-38286265-C-A. GRCh37 (hg19) VCF-style: chrX-38145518-C-A.
Other names: c.1569+4694G>T (NM_001367249.1, NM_001367250.1); c.1902+829G>T (NM_001367245.1); c.1386+4694G>T (NM_001367251.1); c.1719+829G>T (NM_001367246.1); c.1572+4694G>T (NM_001367247.1); c.1905+829G>T (NM_000328.3); c.1602+4694G>T (NM_001367248.1); short protein forms G912*.
Identifiers: ClinVar variation 4772841 (VCV004772841.1).

ClinVar aggregate classification (germline): Pathogenic (1 of 4 stars; one submission).

Conditions:
Primary ciliary dyskinesia. Also called: Ciliary dyskinesia. Identifiers: Orphanet 244, MedGen C0008780, MONDO:0016575, HP:0012265.

Submission:

Labcorp Genetics (formerly Invitae), Labcorp
Classification: Pathogenic for Primary ciliary dyskinesia. Last evaluated: 2025-11-08. Review status: criteria provided, single submitter. Criteria: Invitae Variant Classification Sherloc (09022015). Collection method: clinical testing. Allele origin: germline.
Comment: This sequence change creates a premature translational stop signal (p.Gly912*) in the RPGR (ORF15) gene. While this is not anticipated to result in nonsense mediated decay, it is expected to disrupt the last 241 amino acid(s) of the RPGR (ORF15) protein. This variant is not present in population databases (gnomAD no frequency). This variant has not been reported in the literature in individuals affected with RPGR (ORF15)-related conditions. This variant disrupts a region of the RPGR (ORF15) protein in which other variant(s) (p.Asn1132Thrfs*20) have been determined to be pathogenic (PMID: 18552978, 25283059; internal data). This suggests that this is a clinically significant region of the protein, and that variants that disrupt it are likely to be disease-causing. For these reasons, this variant has been classified as Pathogenic.

Literature cited by the submitters: PubMed 18552978; PubMed 25283059.